The following is an entry in ClinVar:

ClinVar aggregate classification (germline): Uncertain significance (1 of 4 stars; one submission).

Submission:

Labcorp Genetics (formerly Invitae), Labcorp
Classification: Uncertain significance. Last evaluated: 2021-01-14. Review status: criteria provided, single submitter. Criteria: Invitae Variant Classification Sherloc (09022015). Collection method: clinical testing. Allele origin: germline.
Comment: In summary, the available evidence is currently insufficient to determine the role of this variant in disease. Therefore, it has been classified as a Variant of Uncertain Significance. Algorithms developed to predict the effect of missense changes on protein structure and function are either unavailable or do not agree on the potential impact of this missense change (SIFT: "Deleterious"; PolyPhen-2: "Probably Damaging"; Align-GVGD: "Class C15"). This variant has not been reported in the literature in individuals with ROM1-related conditions. This variant is not present in population databases (ExAC no frequency). This sequence change replaces glutamic acid with glycine at codon 161 of the ROM1 protein (p.Glu161Gly). The glutamic acid residue is highly conserved and there is a moderate physicochemical difference between glutamic acid and glycine.

NM_000327.4(ROM1):c.482A>G (p.Glu161Gly)

Gene: ROM1 (retinal outer segment membrane protein 1; plus strand). Cytogenetic location: 11q12.3.
Variant type: single nucleotide variant.
Coding change: c.482A>G on transcript NM_000327.4 (MANE Select); coding-DNA position 482, A replaced by G.
Protein change: p.Glu161Gly; replaces glutamic acid 161 with glycine.
Molecular consequence: missense variant.
Genome position (GRCh38, 1-based): chr11:62,613,763, A>G. VCF-style: chr11-62613763-A-G. GRCh37 (hg19) VCF-style: chr11-62381235-A-G.
Other names: short protein forms E161G.
Identifiers: ClinVar variation 1038608 (VCV001038608.8), dbSNP rs1942958091, ClinGen allele CA380970002.